The following is an entry in ClinVar:

NM_003611.3(OFD1):c.535dup (p.Ile179fs)

Gene: OFD1 (OFD1 centriole and centriolar satellite protein; plus strand). Cytogenetic location: Xp22.2.
Variant type: Duplication.
Coding change: c.535dup on transcript NM_003611.3 (MANE Select); coding-DNA position 535, one base duplicated (A; older notation c.535dupA).
Protein change: p.Ile179fs; shifts the reading frame from isoleucine 179.
Molecular consequence: frameshift variant.
Genome position (GRCh38, 1-based): chrX:13,746,336, A duplicated. VCF-style (leftmost placement, unchanged base first): chrX-13746335-T-TA. GRCh37 (hg19) VCF-style: chrX-13764454-T-TA.
Other names: c.535dup, p.Ile179fs (NM_001330209.2, NM_001440947.1, NM_001440948.1); c.115dup, p.Ile39fs (NM_001330210.2); short protein forms I179fs, I39fs.
Identifiers: ClinVar variation 4784167 (VCV004784167.1).

ClinVar aggregate classification (germline): Pathogenic (1 of 4 stars; one submission).

Conditions:
Joubert syndrome. Also called: Familial aplasia of the vermis; JOUBERT-BOLTSHAUSER SYNDROME; CEREBELLOPARENCHYMAL DISORDER IV. Identifiers: Orphanet 475, MedGen C5979921, MONDO:0018772.
Orofaciodigital syndrome I (OFD1). Also called: Papillon-Leage and Psaume Syndrome; OFDS I; Oral-Facial-Digital Syndrome Type I. Identifiers: Orphanet 2750, MedGen C1510460, MONDO:0010702, OMIM 311200.

Submission:

Labcorp Genetics (formerly Invitae), Labcorp
Classification: Pathogenic for Orofaciodigital syndrome I; Joubert syndrome. Last evaluated: 2025-02-13. Review status: criteria provided, single submitter. Criteria: Invitae Variant Classification Sherloc (09022015). Collection method: clinical testing. Allele origin: germline.
Comment: This sequence change creates a premature translational stop signal (p.Ile179Asnfs*2) in the OFD1 gene. It is expected to result in an absent or disrupted protein product. Loss-of-function variants in OFD1 are known to be pathogenic (PMID: 16783569, 18546297, 27081566). This variant is not present in population databases (gnomAD no frequency). This variant has not been reported in the literature in individuals affected with OFD1-related conditions. For these reasons, this variant has been classified as Pathogenic.

Literature cited by the submitters: PubMed 16783569; PubMed 18546297; PubMed 27081566.